The following is an entry in ClinVar:

NM_000465.4(BARD1):c.730dup (p.Ser244fs)

Gene: BARD1 (BRCA1 associated RING domain 1; minus strand). Cytogenetic location: 2q35.
Variant type: Duplication.
Coding change: c.730dup on transcript NM_000465.4 (MANE Select); coding-DNA position 730, one base duplicated (A; older notation c.730dupA).
Protein change: p.Ser244fs; shifts the reading frame from serine 244.
Molecular consequence: frameshift variant. On other transcripts: non-coding transcript variant (2), intron variant (3).
Genome position (GRCh38, 1-based): chr2:214,781,144, T duplicated on the plus strand (A on the coding strand, the reverse complement: BARD1 is on the minus strand). VCF-style (leftmost placement, unchanged base first): chr2-214781143-C-CT. GRCh37 (hg19) VCF-style: chr2-215645867-C-CT.
Other names: c.673dup, p.Ser225fs (NM_001282543.2); c.158+28268dup (NM_001282548.2); c.215+15917dup (NM_001282545.2); c.364+11153dup (NM_001282549.2); short protein forms S225fs, S244fs.
Identifiers: ClinVar variation 2583637 (VCV002583637.2), dbSNP rs2469509273, ClinGen allele CA2582342094.

ClinVar aggregate classification (germline): Pathogenic (1 of 4 stars; one submission).

Conditions:
Familial cancer of breast. Also called: Hereditary breast cancer; BREAST CANCER, FAMILIAL; hereditary breast carcinoma. Identifiers: Orphanet 227535, MedGen C0346153, MONDO:0016419, OMIM 114480. Disease mechanism: loss of function.

Submission:

Myriad Genetics, Inc.
Classification: Pathogenic for Familial cancer of breast. Last evaluated: 2023-05-19. Review status: criteria provided, single submitter. Criteria: Myriad Autosomal Dominant, Autosomal Recessive and X-Linked Classification Criteria (2023). Collection method: clinical testing. Allele origin: unknown.
Comment: This variant is considered pathogenic. This variant creates a frameshift predicted to result in premature protein truncation.